The following is an entry in ClinVar:

ClinVar aggregate classification (germline): Uncertain significance (1 of 4 stars; one submission).

Submission:

Women's Health and Genetics/Laboratory Corporation of America, LabCorp
Classification: Uncertain significance. Last evaluated: 2025-10-20. Review status: criteria provided, single submitter. Criteria: LabCorp Variant Classification Summary - May 2015. Collection method: clinical testing. Allele origin: germline.
Comment: Variant summary: RAI1 c.3079C>G (p.Pro1027Ala) results in a non-conservative amino acid change in the encoded protein sequence. Algorithms developed to predict the effect of missense changes on protein structure and function are either unavailable or do not agree on the potential impact of this missense change. The frequency data for this variant in gnomAD is considered unreliable, as metrics indicate poor data quality at this position. To our knowledge, no occurrence of c.3079C>G in individuals affected with RAI1-related conditions and no experimental evidence demonstrating its impact on protein function have been reported. ClinVar contains an entry for this variant (Variation ID: 3629656). Based on the evidence outlined above, the variant was classified as uncertain significance.

NM_030665.4(RAI1):c.3079C>G (p.Pro1027Ala)

Gene: RAI1 (retinoic acid induced 1; plus strand). Cytogenetic location: 17p11.2.
Variant type: single nucleotide variant.
Coding change: c.3079C>G on transcript NM_030665.4 (MANE Select); coding-DNA position 3079, C replaced by G.
Protein change: p.Pro1027Ala; replaces proline 1027 with alanine.
Molecular consequence: missense variant.
Genome position (GRCh38, 1-based): chr17:17,796,027, C>G. VCF-style: chr17-17796027-C-G. GRCh37 (hg19) VCF-style: chr17-17699341-C-G.
Other names: short protein forms P1027A.
Identifiers: ClinVar variation 3629656 (VCV003629656.2).